The following is an entry in ClinVar:

ClinVar aggregate classification (germline): Uncertain significance (1 of 4 stars; one submission).

Submission:

GeneDx
Classification: Uncertain significance. Last evaluated: 2024-05-14. Review status: criteria provided, single submitter. Criteria: GeneDx Variant Classification Process June 2021. Collection method: clinical testing. Allele origin: germline. Affected: yes.
Comment: Not observed at significant frequency in large population cohorts (gnomAD); In silico analysis is inconclusive as to whether the variant alters gene splicing. In the absence of RNA/functional studies, the actual effect of this sequence change is unknown.; Has not been previously published as pathogenic or benign to our knowledge

NM_080680.3(COL11A2):c.1557G>A (p.Gln519=)

Gene: COL11A2 (collagen type XI alpha 2 chain; minus strand). Cytogenetic location: 6p21.32.
Variant type: single nucleotide variant.
Coding change: c.1557G>A on transcript NM_080680.3 (MANE Select); coding-DNA position 1557, G replaced by A.
Protein change: p.Gln519=; no amino-acid change (glutamine 519 retained).
Molecular consequence: synonymous variant.
Genome position (GRCh38, 1-based): chr6:33,179,231, C>T on the plus strand (G>A on the coding strand, the complement: COL11A2 is on the minus strand). VCF-style: chr6-33179231-C-T. GRCh37 (hg19) VCF-style: chr6-33147008-C-T.
Other names: c.1377G>A, p.Gln459= (NM_001424108.1); c.711G>A, p.Gln237= (NM_001424109.1); c.531G>A, p.Gln177= (NM_001424110.1, NM_001424111.1); c.1236G>A, p.Gln412= (NM_080679.3); c.1299G>A, p.Gln433= (NM_080681.3).
Identifiers: ClinVar variation 3378185 (VCV003378185.1).